The following is an entry in ClinVar:

NM_015335.5(MED13L):c.6428A>G (p.Glu2143Gly)

Gene: MED13L (mediator complex subunit 13L; minus strand). Cytogenetic location: 12q24.21.
Variant type: single nucleotide variant.
Coding change: c.6428A>G on transcript NM_015335.5 (MANE Select); coding-DNA position 6428, A replaced by G.
Protein change: p.Glu2143Gly; replaces glutamic acid 2143 with glycine.
Molecular consequence: missense variant.
Genome position (GRCh38, 1-based): chr12:115,963,479, T>C on the plus strand (A>G on the coding strand, the complement: MED13L is on the minus strand). VCF-style: chr12-115963479-T-C. GRCh37 (hg19) VCF-style: chr12-116401284-T-C.
Other names: short protein forms E2143G.
Identifiers: ClinVar variation 3603042 (VCV003603042.1).

ClinVar aggregate classification (germline): Uncertain significance (1 of 4 stars; one submission).

Submission:

GeneDx
Classification: Uncertain significance. Last evaluated: 2024-07-29. Review status: criteria provided, single submitter. Criteria: GeneDx Variant Classification Process June 2021. Collection method: clinical testing. Allele origin: germline. Affected: yes.
Comment: Not observed at significant frequency in large population cohorts (gnomAD); In silico analysis supports that this missense variant has a deleterious effect on protein structure/function; Has not been previously published as pathogenic or benign to our knowledge